The following is an entry in ClinVar:

ClinVar aggregate classification (germline): Uncertain significance (1 of 4 stars; one submission).

Conditions:
Inborn genetic diseases. Identifiers: MedGen C0950123, MeSH D030342.

Submission:

Ambry Genetics
Classification: Uncertain significance for Inborn genetic diseases. Last evaluated: 2025-01-05. Review status: criteria provided, single submitter. Criteria: Ambry Variant Classification Scheme 2023. Collection method: clinical testing. Allele origin: germline.
Comment: The p.P1212R variant (also known as c.3635C>G), located in coding exon 33 of the RTEL1 gene, results from a C to G substitution at nucleotide position 3635. The proline at codon 1212 is replaced by arginine, an amino acid with dissimilar properties. This amino acid position is conserved. In addition, this alteration is predicted to be tolerated by in silico analysis. Based on the available evidence, the clinical significance of this variant remains unclear.

NM_001283009.2(RTEL1):c.3635C>G (p.Pro1212Arg)

Genes: RTEL1 (regulator of telomere elongation helicase 1; plus strand), RTEL1-TNFRSF6B (RTEL1-TNFRSF6B readthrough (NMD candidate); plus strand). Cytogenetic location: 20q13.33.
Variant type: single nucleotide variant.
Coding change: c.3635C>G on transcript NM_001283009.2 (MANE Select); coding-DNA position 3635, C replaced by G.
Protein change: p.Pro1212Arg; replaces proline 1212 with arginine.
Molecular consequence: missense variant. On other transcripts: non-coding transcript variant (1).
Genome position (GRCh38, 1-based): chr20:63,695,463, C>G. VCF-style: chr20-63695463-C-G. GRCh37 (hg19) VCF-style: chr20-62326816-C-G.
Other names: c.2966C>G, p.Pro989Arg (NM_001283010.1); c.3635C>G, p.Pro1212Arg (NM_016434.4); c.3707C>G, p.Pro1236Arg (NM_032957.5); short protein forms P989R, P1212R, P1236R.
Identifiers: ClinVar variation 3791029 (VCV003791029.1).